The following is an entry in ClinVar:

ClinVar aggregate classification (germline): Uncertain significance. Review status: criteria provided, multiple submitters, no conflicts (2 of 4 stars). 2 submissions from 2 submitters: Uncertain significance (2). Last evaluated 2026-05-23.

Conditions:
TTN-related disorder. Also called: TTN-related disorders; TTN-related condition; TTN-related disease.

Allele frequency attached by ClinVar (database versions not stated): gnomAD exomes below 0.00001; gnomAD 0.00002; TOPMed 0.00004; ESP Exome Variant Server 0.00008.
gnomAD v4.1: 9 of 1,613,348 alleles (0.00056%); highest among the groups gnomAD compares: African/African-American, 0.011%; no homozygotes.

Submissions (2):

PreventionGenetics, part of Exact Sciences
Classification: Uncertain significance for TTN-related condition. Last evaluated: 2026-05-23. Review status: criteria provided, single submitter. Criteria: ACMG Guidelines, 2015. Collection method: clinical testing. Allele origin: germline.
Comment: The TTN c.73340G>A variant is predicted to result in the amino acid substitution p.Arg24447Lys. To our knowledge, this variant has not been reported in the literature. This variant is reported in 0.0065% of alleles in individuals of African descent in gnomAD. At this time, the clinical significance of this variant is uncertain due to the absence of conclusive functional and genetic evidence.

Laboratory for Molecular Medicine, Mass General Brigham Personalized Medicine
Classification: Uncertain significance. Last evaluated: 2015-04-07. Review status: criteria provided, single submitter. Criteria: LMM Criteria. Collection method: clinical testing. Allele origin: germline. Observed: 1 variant allele.
Comment: The p.Arg21879Lys variant in TTN has not been previously reported in individuals with cardiomyopathy, but has been identified in 1/3868 African American chromos omes by the NHLBI Exome Sequencing Project (d bSNP rs377190830). Computational prediction tools and conservation analysis do not provide strong support for or against an impact to the protein. In summary, the clinical significance of the p.Arg21879Lys variant is uncertain.

NM_001267550.2(TTN):c.73340G>A (p.Arg24447Lys)

Genes: TTN (titin; minus strand), TTN-AS1 (TTN antisense RNA 1; plus strand). Cytogenetic location: 2q31.2.
Variant type: single nucleotide variant.
Coding change: c.73340G>A on transcript NM_001267550.2 (MANE Select); coding-DNA position 73340, G replaced by A.
Protein change: p.Arg24447Lys; replaces arginine 24447 with lysine.
Molecular consequence: missense variant.
Genome position (GRCh38, 1-based): chr2:178,572,792, C>T on the plus strand (G>A on the coding strand, the complement: TTN is on the minus strand). VCF-style: chr2-178572792-C-T. GRCh37 (hg19) VCF-style: chr2-179437519-C-T.
Other names: c.68417G>A, p.Arg22806Lys (NM_001256850.1); c.46145G>A, p.Arg15382Lys (NM_003319.4); c.46520G>A, p.Arg15507Lys (NM_133432.3); c.46721G>A, p.Arg15574Lys (NM_133437.4); c.65636G>A, p.Arg21879Lys (NM_133378.4); short protein forms R21879K, R24447K, R22806K, R15382K, R15507K, R15574K.
Identifiers: ClinVar variation 229510 (VCV000229510.6), dbSNP rs377190830, ClinGen allele CA10576483.